The following is an entry in ClinVar:

ClinVar aggregate classification (germline): Benign. Review status: criteria provided, multiple submitters, no conflicts (2 of 4 stars). 3 submissions from 3 submitters: Benign (2). 1 of the submissions does not count toward it. Last evaluated 2018-12-20.

Conditions:
PUS7-related disorder. Also called: PUS7-related condition.

Allele frequency attached by ClinVar (database versions not stated): ExAC 0.00384; gnomAD 0.01185 and 0.01269; 1000 Genomes Project 0.01258; 1000 Genomes Project 30x 0.01405; gnomAD exomes 0.00310 and 0.00119; TOPMed 0.01299; ESP Exome Variant Server 0.01299.
gnomAD v4.1: 3,637 of 1,594,362 alleles (0.23%); highest among the groups gnomAD compares: African/African-American, 4%; 54 homozygotes.

Submissions (3):

Labcorp Genetics (formerly Invitae), Labcorp
Classification: Benign. Last evaluated: 2018-12-20. Review status: criteria provided, single submitter. Criteria: Invitae Variant Classification Sherloc (09022015). Collection method: clinical testing. Allele origin: germline.

Breakthrough Genomics
Classification: Benign. Review status: criteria provided, single submitter. Criteria: ACMG Guidelines, 2015. Collection method: not provided. Allele origin: germline. Inheritance: Autosomal recessive inheritance. Affected: yes.

PreventionGenetics, part of Exact Sciences
Classification: Benign for PUS7-related condition. Last evaluated: 2019-05-20. Review status: no assertion criteria provided. Collection method: clinical testing. Allele origin: germline. Not counted in ClinVar's aggregate classification.
Comment: This variant is classified as benign based on ACMG/AMP sequence variant interpretation guidelines (Richards et al. 2015 PMID: 25741868, with internal and published modifications).

NM_019042.5(PUS7):c.1389A>G (p.Ala463=)

Gene: PUS7 (pseudouridine synthase 7; minus strand). Cytogenetic location: 7q22.3.
Variant type: single nucleotide variant.
Coding change: c.1389A>G on transcript NM_019042.5 (MANE Select); coding-DNA position 1389, A replaced by G.
Protein change: p.Ala463=; no amino-acid change (alanine 463 retained).
Molecular consequence: synonymous variant.
Genome position (GRCh38, 1-based): chr7:105,470,697, T>C on the plus strand (A>G on the coding strand, the complement: PUS7 is on the minus strand). VCF-style: chr7-105470697-T-C. GRCh37 (hg19) VCF-style: chr7-105111144-T-C.
Other names: c.1407A>G, p.Ala469= (NM_001318163.1); c.1389A>G, p.Ala463= (NM_001318164.2).
Identifiers: ClinVar variation 785229 (VCV000785229.6), dbSNP rs113639774, ClinGen allele CA4425901.